The following is an entry in ClinVar:

ClinVar aggregate classification (germline): Uncertain significance (1 of 4 stars; one submission).

Allele frequency attached by ClinVar (database versions not stated): gnomAD exomes 0.00001; ExAC 0.00002; TOPMed 0.00004.
gnomAD v4.1: 12 of 1,613,874 alleles (0.00074%); highest among the groups gnomAD compares: East Asian, 0.0067%; no homozygotes.

Submission:

Labcorp Genetics (formerly Invitae), Labcorp
Classification: Uncertain significance. Last evaluated: 2024-03-04. Review status: criteria provided, single submitter. Criteria: Invitae Variant Classification Sherloc (09022015). Collection method: clinical testing. Allele origin: germline.
Comment: This sequence change affects codon 1098 of the NALCN mRNA. It is a 'silent' change, meaning that it does not change the encoded amino acid sequence of the NALCN protein. This variant is present in population databases (rs762502615, gnomAD 0.02%). This variant has not been reported in the literature in individuals affected with NALCN-related conditions. Algorithms developed to predict the effect of sequence changes on RNA splicing suggest that this variant may disrupt the consensus splice site. In summary, the available evidence is currently insufficient to determine the role of this variant in disease. Therefore, it has been classified as a Variant of Uncertain Significance.

NM_052867.4(NALCN):c.3294C>T (p.Phe1098=)

Gene: NALCN (sodium leak channel, non-selective; minus strand). Cytogenetic location: 13q32.3.
Variant type: single nucleotide variant.
Coding change: c.3294C>T on transcript NM_052867.4 (MANE Select); coding-DNA position 3294, C replaced by T.
Protein change: p.Phe1098=; no amino-acid change (phenylalanine 1098 retained).
Molecular consequence: synonymous variant.
Genome position (GRCh38, 1-based): chr13:101,089,942, G>A on the plus strand (C>T on the coding strand, the complement: NALCN is on the minus strand). VCF-style: chr13-101089942-G-A. GRCh37 (hg19) VCF-style: chr13-101742293-G-A.
Other names: c.3381C>T, p.Phe1127= (NM_001350748.2); c.3294C>T, p.Phe1098= (NM_001350749.2); c.3207C>T, p.Phe1069= (NM_001350750.2, NM_001350751.2).
Identifiers: ClinVar variation 2972529 (VCV002972529.3), dbSNP rs762502615, ClinGen allele CA7035433.